The following is an entry in ClinVar:

ClinVar aggregate classification (germline): Uncertain significance (1 of 4 stars; one submission).

Submission:

GeneDx
Classification: Uncertain significance. Last evaluated: 2023-02-14. Review status: criteria provided, single submitter. Criteria: GeneDx Variant Classification Process June 2021. Collection method: clinical testing. Allele origin: germline. Affected: yes.
Comment: Not observed at significant frequency in large population cohorts (gnomAD); In silico analysis supports that this missense variant does not alter protein structure/function; In silico analysis is inconclusive as to whether the variant alters gene splicing. In the absence of RNA/functional studies, the actual effect of this sequence change is unknown.; Has not been previously published as pathogenic or benign to our knowledge

NM_001260.3(CDK8):c.277G>C (p.Val93Leu)

Gene: CDK8 (cyclin dependent kinase 8; plus strand). Cytogenetic location: 13q12.13.
Variant type: single nucleotide variant.
Coding change: c.277G>C on transcript NM_001260.3 (MANE Select); coding-DNA position 277, G replaced by C.
Protein change: p.Val93Leu; replaces valine 93 with leucine.
Molecular consequence: missense variant. On other transcripts: 5 prime UTR variant (1).
Genome position (GRCh38, 1-based): chr13:26,349,144, G>C. VCF-style: chr13-26349144-G-C. GRCh37 (hg19) VCF-style: chr13-26923281-G-C.
Other names: c.277G>C, p.Val93Leu (NM_001318368.2); c.-185G>C (NM_001346501.2); short protein forms V93L.
Identifiers: ClinVar variation 2575585 (VCV002575585.1), dbSNP rs2542404831, ClinGen allele CA387683552.